The following is an entry in ClinVar:

NM_014244.5(ADAMTS2):c.2215A>G (p.Ile739Val)

Gene: ADAMTS2 (ADAM metallopeptidase with thrombospondin type 1 motif 2; minus strand). Cytogenetic location: 5q35.3.
Variant type: single nucleotide variant.
Coding change: c.2215A>G on transcript NM_014244.5 (MANE Select); coding-DNA position 2215, A replaced by G.
Protein change: p.Ile739Val; replaces isoleucine 739 with valine.
Molecular consequence: missense variant.
Genome position (GRCh38, 1-based): chr5:179,132,305, T>C on the plus strand (A>G on the coding strand, the complement: ADAMTS2 is on the minus strand). VCF-style: chr5-179132305-T-C. GRCh37 (hg19) VCF-style: chr5-178559306-T-C.
Other names: short protein forms I739V.
Identifiers: ClinVar variation 1423167 (VCV001423167.4), dbSNP rs762128833, ClinGen allele CA3595625.

ClinVar aggregate classification (germline): Conflicting classifications of pathogenicity. Review status: criteria provided, conflicting classifications (1 of 4 stars). 2 submissions from 2 submitters: Uncertain significance (1); Likely benign (1). Last evaluated 2022-10-13.

Conditions:
Ehlers-Danlos syndrome, dermatosparaxis type. Also called: Dermatosparaxis; EDS VIIC; Ehlers-Danlos syndrome, type VII, autosomal recessive. Identifiers: Orphanet 1901, MedGen C2700425, MONDO:0009161, OMIM 225410.

Allele frequency attached by ClinVar (database versions not stated): gnomAD exomes below 0.00001; TOPMed below 0.00001; ExAC 0.00001.
gnomAD v4.1: 1 of 1,614,110 alleles (0.000062%); highest among the groups gnomAD compares: Non-Finnish European, 0.000085%; no homozygotes.

Submissions (2):

Blueprint Genetics
Classification: Likely benign. Last evaluated: 2022-10-13. Review status: criteria provided, single submitter. Criteria: ACMG Guidelines, 2015. Collection method: clinical testing. Allele origin: germline.

Labcorp Genetics (formerly Invitae), Labcorp
Classification: Uncertain significance for Ehlers-Danlos syndrome, dermatosparaxis type. Last evaluated: 2021-12-27. Review status: criteria provided, single submitter. Criteria: Invitae Variant Classification Sherloc (09022015). Collection method: clinical testing. Allele origin: germline.
Comment: This sequence change replaces isoleucine, which is neutral and non-polar, with valine, which is neutral and non-polar, at codon 739 of the ADAMTS2 protein (p.Ile739Val). This variant is present in population databases (rs762128833, gnomAD 0.0009%). This variant has not been reported in the literature in individuals affected with ADAMTS2-related conditions. Algorithms developed to predict the effect of missense changes on protein structure and function output the following: SIFT: "Tolerated"; PolyPhen-2: "Benign"; Align-GVGD: "Class C0". The valine amino acid residue is found in multiple mammalian species, which suggests that this missense change does not adversely affect protein function. In summary, the available evidence is currently insufficient to determine the role of this variant in disease. Therefore, it has been classified as a Variant of Uncertain Significance.